The following is an entry in ClinVar:

ClinVar aggregate classification (germline): Uncertain significance (1 of 4 stars; one submission).

Submission:

Labcorp Genetics (formerly Invitae), Labcorp
Classification: Uncertain significance. Last evaluated: 2021-08-16. Review status: criteria provided, single submitter. Criteria: Invitae Variant Classification Sherloc (09022015). Collection method: clinical testing. Allele origin: germline.
Comment: In summary, the available evidence is currently insufficient to determine the role of this variant in disease. Therefore, it has been classified as a Variant of Uncertain Significance. Algorithms developed to predict the effect of missense changes on protein structure and function output the following: SIFT: "Tolerated"; PolyPhen-2: "Benign"; Align-GVGD: "Class C0". The alanine amino acid residue is found in multiple mammalian species, which suggests that this missense change does not adversely affect protein function. This variant has not been reported in the literature in individuals affected with ADGRA3-related conditions. This variant is not present in population databases (ExAC no frequency). This sequence change replaces valine with alanine at codon 1257 of the ADGRA3 protein (p.Val1257Ala). The valine residue is weakly conserved and there is a small physicochemical difference between valine and alanine.

NM_145290.4(ADGRA3):c.3770T>C (p.Val1257Ala)

Gene: ADGRA3 (adhesion G protein-coupled receptor A3; minus strand). Cytogenetic location: 4p15.2.
Variant type: single nucleotide variant.
Coding change: c.3770T>C on transcript NM_145290.4 (MANE Select); coding-DNA position 3770, T replaced by C.
Protein change: p.Val1257Ala; replaces valine 1257 with alanine.
Molecular consequence: missense variant.
Genome position (GRCh38, 1-based): chr4:22,387,901, A>G on the plus strand (T>C on the coding strand, the complement: ADGRA3 is on the minus strand). VCF-style: chr4-22387901-A-G. GRCh37 (hg19) VCF-style: chr4-22389524-A-G.
Other names: short protein forms V1257A.
Identifiers: ClinVar variation 1461584 (VCV001461584.6), dbSNP rs2108988119, ClinGen allele CA356471713.
Genomic context (GRCh38, chr4:22,387,901, plus strand): 5'-TGATTTTCAAGTTCAACCACAGCTGGCTTCCTTAACGCATCTTTTTTACTAGTGGTTGAA[A>G]CTGGCTTTTCAAAATTTCTGCTACTTTTGGGAAGTGTGCTACAAGCATCGCTGCTGTCTT-3'
Protein context (NP_660333.2, residues 1247-1267): PKSSRNFEKP[Val1257Ala]STTSKKDALR